The following is an entry in ClinVar:

NM_001034853.2(RPGR):c.431A>G (p.Gln144Arg)

Gene: RPGR (retinitis pigmentosa GTPase regulator; minus strand). Cytogenetic location: Xp11.4.
Variant type: single nucleotide variant.
Coding change: c.431A>G on transcript NM_001034853.2 (MANE Select); coding-DNA position 431, A replaced by G.
Protein change: p.Gln144Arg; replaces glutamine 144 with arginine.
Molecular consequence: missense variant. On other transcripts: non-coding transcript variant (6).
Genome position (GRCh38, 1-based): chrX:38,318,867, T>C on the plus strand (A>G on the coding strand, the complement: RPGR is on the minus strand). VCF-style: chrX-38318867-T-C. GRCh37 (hg19) VCF-style: chrX-38178120-T-C.
Other names: NM_001034853.2:c.431A>G; c.431A>G, p.Gln144Arg (NM_000328.3, NM_001367245.1, NM_001367246.1 and 3 more transcripts); c.461A>G, p.Gln154Arg (NM_001367248.1); c.428A>G, p.Gln143Arg (NM_001367249.1); short protein forms Q144R, Q154R, Q143R.
Identifiers: ClinVar variation 4976907 (VCV004976907.1).

ClinVar aggregate classification (germline): Uncertain significance (3 of 4 stars; one submission).

Conditions:
RPGR-related retinopathy. Also called: RPGR retinopathy. Identifiers: MedGen CN305589, MONDO:0100437.

Submission:

ClinGen X-linked Inherited Retinal Disease Variant Curation Expert Panel, ClinGen
Classification: Uncertain significance for RPGR-related retinopathy. Last evaluated: 2026-09-26. Review status: reviewed by expert panel. Criteria: ClinGen X LinkedIRD ACMG Specifications RPGR V1.0.0. Collection method: curation. Allele origin: germline. Inheritance: X-linked inheritance.
Comment: NM_001034853.2(RPGR):c.431A>G (p.Gln144Arg) is a missense variant encoding the substitution of glutamine with arginine at amino acid 144. This variant is absent from hemizygous individuals in gnomAD v4.1.1 (PM2_Supporting). At least one proband harboring this variant exhibits a phenotype including family history consistent with X-linked inheritance (2), whole exome sequencing show no alternative explanation (2), 1st decade onset (1), decreased central vision acuity (0.5) and high myopia (1), which together are specific for RPGR-related retinopathy (6.5 points, PMID: 34745198, PP4). In summary, this variant is classified as a variant of uncertain significance for RPGR-related retinopathy based on the ClinGen X-linked Inherited Retinal Disease Expert Panel Specifications to the ACMG/AMP Variant Interpretation Guidelines for RPGR Version 1.0.0: PP4 and PM2_supporting.